The following is an entry in ClinVar:

NM_001256864.2(DNAJC6):c.482A>C (p.Asp161Ala)

Gene: DNAJC6 (DnaJ heat shock protein family (Hsp40) member C6; plus strand). Cytogenetic location: 1p31.3.
Variant type: single nucleotide variant.
Coding change: c.482A>C on transcript NM_001256864.2 (MANE Select); coding-DNA position 482, A replaced by C.
Protein change: p.Asp161Ala; replaces aspartic acid 161 with alanine.
Molecular consequence: missense variant.
Genome position (GRCh38, 1-based): chr1:65,366,135, A>C. VCF-style: chr1-65366135-A-C. GRCh37 (hg19) VCF-style: chr1-65831818-A-C.
Other names: c.272A>C, p.Asp91Ala (NM_001256865.2); c.311A>C, p.Asp104Ala (NM_014787.4); short protein forms D104A, D161A, D91A.
Identifiers: ClinVar variation 4085841 (VCV004085841.8).

ClinVar aggregate classification (germline): Uncertain significance (1 of 4 stars; one submission).

Submission:

CeGaT Center for Human Genetics Tuebingen
Classification: Uncertain significance. Last evaluated: 2025-08-01. Review status: criteria provided, single submitter. Criteria: CeGaT Center For Human Genetics Tuebingen Variant Classification Criteria Version 2. Collection method: clinical testing. Allele origin: germline. Affected: yes. Observed: 1 variant allele.
Comment: DNAJC6: PM2, PP3